The following is an entry in ClinVar:

ClinVar aggregate classification (germline): Likely benign (1 of 4 stars; one submission).

Allele frequency attached by ClinVar (database versions not stated): gnomAD exomes 0.00004; ExAC 0.00006.

Submission:

CeGaT Center for Human Genetics Tuebingen
Classification: Likely benign. Last evaluated: 2023-08-01. Review status: criteria provided, single submitter. Criteria: CeGaT Center For Human Genetics Tuebingen Variant Classification Criteria Version 2. Collection method: clinical testing. Allele origin: germline. Affected: yes. Observed: 1 variant allele.
Comment: FLG: BP4, BP7

NM_002016.2(FLG):c.2985C>T (p.His995=)

Genes: CCDST (cervical cancer associated DHX9 suppressive transcript; plus strand), FLG (filaggrin; minus strand). Cytogenetic location: 1q21.3.
Variant type: single nucleotide variant.
Coding change: c.2985C>T on transcript NM_002016.2 (MANE Select); coding-DNA position 2985, C replaced by T.
Protein change: p.His995=; no amino-acid change (histidine 995 retained).
Molecular consequence: synonymous variant.
Genome position (GRCh38, 1-based): chr1:152,311,901, G>A on the plus strand (C>T on the coding strand, the complement: FLG is on the minus strand). VCF-style: chr1-152311901-G-A. GRCh37 (hg19) VCF-style: chr1-152284377-G-A.
Identifiers: ClinVar variation 2639302 (VCV002639302.24), dbSNP rs373872833, ClinGen allele CA1106882.